The following is an entry in ClinVar:

ClinVar aggregate classification (germline): Likely benign (1 of 4 stars; one submission).

Submission:

CeGaT Center for Human Genetics Tuebingen
Classification: Likely benign. Last evaluated: 2026-07-01. Review status: criteria provided, single submitter. Criteria: CeGaT Center For Human Genetics Tuebingen Variant Classification Criteria Version 2. Collection method: clinical testing. Allele origin: germline. Affected: yes. Observed: 1 variant allele.
Comment: KMT2C: PM2:Supporting, BP4, BP7

NM_170606.3(KMT2C):c.6387C>T (p.Asp2129=)

Gene: KMT2C (lysine methyltransferase 2C; minus strand). Cytogenetic location: 7q36.1.
Variant type: single nucleotide variant.
Coding change: c.6387C>T on transcript NM_170606.3 (MANE Select); coding-DNA position 6387, C replaced by T.
Protein change: p.Asp2129=; no amino-acid change (aspartic acid 2129 retained).
Molecular consequence: synonymous variant.
Genome position (GRCh38, 1-based): chr7:152,181,473, G>A on the plus strand (C>T on the coding strand, the complement: KMT2C is on the minus strand). VCF-style: chr7-152181473-G-A. GRCh37 (hg19) VCF-style: chr7-151878558-G-A.
Identifiers: ClinVar variation 5040269 (VCV005040269.1).